The following is an entry in ClinVar:

NM_003322.6(TULP1):c.739A>G (p.Lys247Glu)

Gene: TULP1 (TUB like protein 1; minus strand). Cytogenetic location: 6p21.31.
Variant type: single nucleotide variant.
Coding change: c.739A>G on transcript NM_003322.6 (MANE Select); coding-DNA position 739, A replaced by G.
Protein change: p.Lys247Glu; replaces lysine 247 with glutamic acid.
Molecular consequence: missense variant.
Genome position (GRCh38, 1-based): chr6:35,509,292, T>C on the plus strand (A>G on the coding strand, the complement: TULP1 is on the minus strand). VCF-style: chr6-35509292-T-C. GRCh37 (hg19) VCF-style: chr6-35477069-T-C.
Other names: c.580A>G, p.Lys194Glu (NM_001289395.2); short protein forms K247E, K194E.
Identifiers: ClinVar variation 2151046 (VCV002151046.4), dbSNP rs2533802454, ClinGen allele CA363781410.

ClinVar aggregate classification (germline): Uncertain significance (1 of 4 stars; one submission).

Submission:

Labcorp Genetics (formerly Invitae), Labcorp
Classification: Uncertain significance. Last evaluated: 2022-03-06. Review status: criteria provided, single submitter. Criteria: Invitae Variant Classification Sherloc (09022015). Collection method: clinical testing. Allele origin: germline.
Comment: This variant has not been reported in the literature in individuals affected with TULP1-related conditions. This sequence change replaces lysine, which is basic and polar, with glutamic acid, which is acidic and polar, at codon 247 of the TULP1 protein (p.Lys247Glu). This variant is not present in population databases (gnomAD no frequency). Algorithms developed to predict the effect of missense changes on protein structure and function output the following: SIFT: "Not Available"; PolyPhen-2: "Benign"; Align-GVGD: "Not Available". The glutamic acid amino acid residue is found in multiple mammalian species, which suggests that this missense change does not adversely affect protein function. In summary, the available evidence is currently insufficient to determine the role of this variant in disease. Therefore, it has been classified as a Variant of Uncertain Significance.